The following is an entry in ClinVar:

NM_001148.6(ANK2):c.2859C>G (p.Asn953Lys)

Gene: ANK2 (ankyrin 2; plus strand). Cytogenetic location: 4q26.
Variant type: single nucleotide variant.
Coding change: c.2859C>G on transcript NM_001148.6 (MANE Select); coding-DNA position 2859, C replaced by G.
Protein change: p.Asn953Lys; replaces asparagine 953 with lysine.
Molecular consequence: missense variant.
Genome position (GRCh38, 1-based): chr4:113,318,579, C>G. VCF-style: chr4-113318579-C-G. GRCh37 (hg19) VCF-style: chr4-114239735-C-G.
Other names: p.N953K:AAC>AAG; c.2796C>G, p.Asn932Lys (NM_001127493.3, NM_001354243.2, NM_001354255.2 and 3 more transcripts); c.2871C>G, p.Asn957Lys (NM_001354225.2); c.2859C>G, p.Asn953Lys (NM_001354228.2, NM_001354232.2, NM_001354258.2 and 1 more transcripts); c.2901C>G, p.Asn967Lys (NM_001354230.2, NM_001354231.2, NM_001354237.2 and 1 more transcripts); c.2856C>G, p.Asn952Lys (NM_001354235.2, NM_001354236.2, NM_001354246.2 and 1 more transcripts); c.2793C>G, p.Asn931Lys (NM_001354239.2, NM_001354244.2, NM_001354252.2 and 3 more transcripts); c.2904C>G, p.Asn968Lys (NM_001354240.2, NM_001354241.2, NM_001386144.1); and 18 more; short protein forms N932K, N953K, N858K, N919K, N931K, N952K, N882K, N891K.
Identifiers: ClinVar variation 190558 (VCV000190558.3), dbSNP rs755255053, ClinGen allele CA300850.

ClinVar aggregate classification (germline): Uncertain significance (1 of 4 stars; one submission).

Allele frequency attached by ClinVar (database versions not stated): gnomAD exomes below 0.00001 and 0.00001; TOPMed below 0.00001; ExAC 0.00002.
gnomAD v4.1: 2 of 1,613,736 alleles (0.00012%); highest among the groups gnomAD compares: East Asian, 0.0022%; no homozygotes.

Submission:

GeneDx
Classification: Uncertain significance. Last evaluated: 2026-09-09. Review status: criteria provided, single submitter. Criteria: GeneDx Variant Classification Process June 2021. Collection method: clinical testing. Allele origin: germline.
Comment: In silico analysis supports that this missense variant has a deleterious effect on protein structure/function; Has not been previously published as pathogenic or benign to our knowledge